The following is an entry in ClinVar:

ClinVar aggregate classification (germline): Pathogenic (0 of 4 stars; one submission).

Conditions:
Fanconi anemia complementation group A (FANCA). Also called: Fanconi anemia, group A; FANCA-Related Fanconi Anemia. Identifiers: Orphanet 84, MedGen C3469521, MONDO:0009215, OMIM 227650.

Submission:

Leiden Open Variation Database
Classification: Pathogenic for Fanconi anemia complementation group A. Last evaluated: 2020-02-28. Review status: no assertion criteria provided. Collection method: curation. Allele origin: germline. Affected: yes.
Comment: Curator: Arleen D. Auerbach. Submitter to LOVD: Arleen D. Auerbach.

Literature cited by the submitters: PubMed 25168418.

NC_000016.10:g.88294089_88344356del

Variant type: Deletion.
Identifiers: ClinVar variation 974216 (VCV000974216.1).